The following is an entry in ClinVar:

ClinVar aggregate classification (germline): Uncertain significance (0 of 4 stars; one submission).

Conditions:
NLGN4X-related disorder. Also called: NLGN4X-related condition.

gnomAD v4.1: 1 of 1,211,632 alleles (0.000083%); highest among the groups gnomAD compares: Non-Finnish European, 0.00011%; no homozygotes.

Submission:

PreventionGenetics, part of Exact Sciences
Classification: Uncertain significance for NLGN4X-related condition. Last evaluated: 2024-03-27. Review status: no assertion criteria provided. Collection method: clinical testing. Allele origin: germline.
Comment: The NLGN4X c.2090A>G variant is predicted to result in the amino acid substitution p.Tyr697Cys. To our knowledge, this variant has not been reported in the literature or in a large population database, indicating this variant is rare. At this time, the clinical significance of this variant is uncertain due to the absence of conclusive functional and genetic evidence.

NM_181332.3(NLGN4X):c.2090A>G (p.Tyr697Cys)

Gene: NLGN4X (neuroligin 4 X-linked; minus strand). Cytogenetic location: Xp22.32.
Variant type: single nucleotide variant.
Coding change: c.2090A>G on transcript NM_181332.3 (MANE Select); coding-DNA position 2090, A replaced by G.
Protein change: p.Tyr697Cys; replaces tyrosine 697 with cysteine.
Molecular consequence: missense variant.
Genome position (GRCh38, 1-based): chrX:5,893,178, T>C on the plus strand (A>G on the coding strand, the complement: NLGN4X is on the minus strand). VCF-style: chrX-5893178-T-C. GRCh37 (hg19) VCF-style: chrX-5811219-T-C.
Other names: c.2090A>G, p.Tyr697Cys (NM_001282145.2, NM_001282146.2, NM_020742.4); short protein forms Y697C.
Identifiers: ClinVar variation 3356258 (VCV003356258.1).